The following is an entry in ClinVar:

GRCh38/hg38 16p11.2(chr16:29662633-30179247)x1

Genes: ALDOA (aldolase, fructose-bisphosphate A; plus strand), ASPHD1 (aspartate beta-hydroxylase domain containing 1; plus strand), C16orf54 (chromosome 16 open reading frame 54; minus strand), CDIPT (CDP-diacylglycerol--inositol 3-phosphatidyltransferase; minus strand), CDIPTOSP (CDIP transferase opposite strand, pseudogene; plus strand) and 85 more. Cytogenetic location: 16p11.2.
Variant type: copy number loss.
Change: copy number 1 (one copy instead of two) of chr16:29,662,633-30,179,247 (516.6 kb, GRCh38 coordinates, 1-based), cytogenetic band 16p11.2.
Identifiers: ClinVar variation 160889 (VCV000160889.1).

ClinVar aggregate classification (germline): Pathogenic. Review status: criteria provided, multiple submitters, no conflicts (2 of 4 stars). 2 submissions from 2 submitters: Pathogenic (2). Last evaluated 2011-08-12.

Submissions (2):

ISCA site 17
Classification: Pathogenic. Last evaluated: 2011-08-12. Review status: criteria provided, single submitter. Criteria: Kaminsky et al. (Genet Med. 2011). Collection method: clinical testing. Allele origin: unknown. Affected: yes. Observed: 3 variant alleles. Clinical features observed: Developmental delay AND/OR other significant developmental or morphological phenotypes, Global developmental delay (HP:0001263).
Comment: Copy number variation identified through the course of routine clinical cytogenomic testing in postnatal populations. Clinical assertions have been curated as described in Kaminsky et al. 2011.

ISCA site 4
Classification: Pathogenic. Last evaluated: 2011-08-12. Review status: criteria provided, single submitter. Criteria: Kaminsky et al. (Genet Med. 2011). Collection method: clinical testing. Allele origin: unknown. Affected: yes. Observed: 10 variant alleles. Clinical features observed: Autism (HP:0000717), Microcephaly (HP:0000252), Developmental delay AND/OR other significant developmental or morphological phenotypes, Poor coordination (HP:0002370), Global developmental delay (HP:0001263), Abnormality of the nervous system (HP:0000707), Failure to thrive (HP:0001508), Muscular hypotonia (HP:0001252), Delayed speech and language development (HP:0002116), Abnormal facial shape (HP:0001999).
Comment: the same text as in the submission from ISCA site 17 above.